The following is an entry in ClinVar:

NM_021005.4(NR2F2):c.203G>A (p.Ser68Asn)

Gene: NR2F2 (nuclear receptor subfamily 2 group F member 2; plus strand). Cytogenetic location: 15q26.2.
Variant type: single nucleotide variant.
Coding change: c.203G>A on transcript NM_021005.4 (MANE Select); coding-DNA position 203, G replaced by A.
Protein change: p.Ser68Asn; replaces serine 68 with asparagine.
Molecular consequence: missense variant. On other transcripts: intron variant (1).
Genome position (GRCh38, 1-based): chr15:96,332,308, G>A. VCF-style: chr15-96332308-G-A. GRCh37 (hg19) VCF-style: chr15-96875537-G-A.
Other names: c.44-1768G>A (NM_001145155.2); short protein forms S68N.
Identifiers: ClinVar variation 2113678 (VCV002113678.4), dbSNP rs60286962, ClinGen allele CA393929813.

ClinVar aggregate classification (germline): Uncertain significance (1 of 4 stars; one submission).

Conditions:
Congenital heart defects, multiple types, 4 (CHTD4). Identifiers: MedGen C4014310, MONDO:0014344, OMIM 615779.

Allele frequency attached by ClinVar (database versions not stated): gnomAD exomes below 0.00001; gnomAD 0.00001; TOPMed 0.00001.
gnomAD v4.1: 7 of 1,583,798 alleles (0.00044%); highest among the groups gnomAD compares: South Asian, 0.0034%; no homozygotes.

Submission:

Labcorp Genetics (formerly Invitae), Labcorp
Classification: Uncertain significance for Congenital heart defects, multiple types, 4. Last evaluated: 2022-08-10. Review status: criteria provided, single submitter. Criteria: Invitae Variant Classification Sherloc (09022015). Collection method: clinical testing. Allele origin: germline.
Comment: In summary, the available evidence is currently insufficient to determine the role of this variant in disease. Therefore, it has been classified as a Variant of Uncertain Significance. Advanced modeling of protein sequence and biophysical properties (such as structural, functional, and spatial information, amino acid conservation, physicochemical variation, residue mobility, and thermodynamic stability) performed at Invitae indicates that this missense variant is not expected to disrupt NR2F2 protein function. This variant has not been reported in the literature in individuals affected with NR2F2-related conditions. The frequency data for this variant in the population databases is considered unreliable, as metrics indicate poor data quality at this position in the gnomAD database. This sequence change replaces serine, which is neutral and polar, with asparagine, which is neutral and polar, at codon 68 of the NR2F2 protein (p.Ser68Asn).